The following is an entry in ClinVar:

NM_006415.4(SPTLC1):c.860G>A (p.Arg287Gln)

Gene: SPTLC1 (serine palmitoyltransferase long chain base subunit 1; minus strand). Cytogenetic location: 9q22.31.
Variant type: single nucleotide variant.
Coding change: c.860G>A on transcript NM_006415.4 (MANE Select); coding-DNA position 860, G replaced by A.
Protein change: p.Arg287Gln; replaces arginine 287 with glutamine.
Molecular consequence: missense variant.
Genome position (GRCh38, 1-based): chr9:92,049,988, C>T on the plus strand (G>A on the coding strand, the complement: SPTLC1 is on the minus strand). VCF-style: chr9-92049988-C-T. GRCh37 (hg19) VCF-style: chr9-94812270-C-T.
Other names: c.860G>A, p.Arg287Gln (NM_001281303.2); c.494G>A, p.Arg165Gln (NM_001368272.1); c.395G>A, p.Arg132Gln (NM_001368273.1); short protein forms R287Q, R132Q, R165Q.
Identifiers: ClinVar variation 4174520 (VCV004174520.2).
Genomic context (GRCh38, chr9:92,049,988, plus strand): 5'-AGGGGAAACGTTCTTAAAAAAGGGGAACTTACATTGATTCCATAGTGTTCAGTGACTCCT[C>T]GGCCATGCTCTCCTAGGACTCCAAATGAAAGGCTTTCCTCCAGGAAGATTCTTGCTTTGT-3'
Protein context (NP_006406.1, residues 277-297): LSFGVLGEHG[Arg287Gln]GVTEHYGINI

ClinVar aggregate classification (germline): Uncertain significance. Review status: criteria provided, multiple submitters, no conflicts (2 of 4 stars). 2 submissions from 2 submitters: Uncertain significance (2). Last evaluated 2026-01-08.

Conditions:
Hereditary sensory and autonomic neuropathy type 1 (HSAN1). Also called: HSAN 1; HSN Type I; Hereditary Sensory Neuropathy Type I. Identifiers: Orphanet 36386, MedGen C0020071, MONDO:0018213.
Inborn genetic diseases. Identifiers: MedGen C0950123, MeSH D030342.

Submissions (2):

Labcorp Genetics (formerly Invitae), Labcorp
Classification: Uncertain significance for Hereditary sensory and autonomic neuropathy type 1. Last evaluated: 2026-01-08. Review status: criteria provided, single submitter. Criteria: Invitae Variant Classification Sherloc (09022015). Collection method: clinical testing. Allele origin: germline.
Comment: This sequence change replaces arginine, which is basic and polar, with glutamine, which is neutral and polar, at codon 287 of the SPTLC1 protein (p.Arg287Gln). This variant is present in population databases (no rsID available, gnomAD 0.0009%). This variant has not been reported in the literature in individuals affected with SPTLC1-related conditions. ClinVar contains an entry for this variant (Variation ID: 4174520). Invitae Evidence Modeling of protein sequence and biophysical properties (such as structural, functional, and spatial information, amino acid conservation, physicochemical variation, residue mobility, and thermodynamic stability) indicates that this missense variant is not expected to disrupt SPTLC1 protein function with a negative predictive value of 80%. In summary, the available evidence is currently insufficient to determine the role of this variant in disease. Therefore, it has been classified as a Variant of Uncertain Significance.

Ambry Genetics
Classification: Uncertain significance for Inborn genetic diseases. Last evaluated: 2025-08-31. Review status: criteria provided, single submitter. Criteria: Ambry Variant Classification Scheme 2023. Collection method: clinical testing. Allele origin: germline.